The following is an entry in ClinVar:

NM_007294.4(BRCA1):c.288C>G (p.Asp96Glu)

Gene: BRCA1 (BRCA1 DNA repair associated; minus strand). Cytogenetic location: 17q21.31.
Variant type: single nucleotide variant.
Coding change: c.288C>G on transcript NM_007294.4 (MANE Select); coding-DNA position 288, C replaced by G.
Protein change: p.Asp96Glu; replaces aspartic acid 96 with glutamic acid.
Molecular consequence: missense variant. On other transcripts: non-coding transcript variant (1).
Genome position (GRCh38, 1-based): chr17:43,104,881, G>C on the plus strand (C>G on the coding strand, the complement: BRCA1 is on the minus strand). VCF-style: chr17-43104881-G-C. GRCh37 (hg19) VCF-style: chr17-41256898-G-C.
Other names: c.78C>G, p.Asp26Glu (NM_001407571.1, NM_001407853.1, NM_001407879.1 and 58 more transcripts); c.288C>G, p.Asp96Glu (NM_001407581.1, NM_001407582.1, NM_001407583.1 and 168 more transcripts); c.210C>G, p.Asp70Glu (NM_001407653.1, NM_001407654.1, NM_001407655.1 and 21 more transcripts); c.147C>G, p.Asp49Glu (NM_001407692.1, NM_001407694.1, NM_001407695.1 and 99 more transcripts); c.-94C>G (NM_001407959.1, NM_001407960.1, NM_001407962.1 and 4 more transcripts); c.156C>G, p.Asp52Glu (NM_001408451.1); short protein forms D96E, D49E, D26E, D52E, D70E.
Identifiers: ClinVar variation 865371 (VCV000865371.3), dbSNP rs146085503, ClinGen allele CA10601577.

Conditions:
Breast-ovarian cancer, familial, susceptibility to, 1 (BROVCA1). Also called: BRCA1 Hereditary Breast and Ovarian Cancer; OVARIAN CANCER, SUSCEPTIBILITY TO. Identifiers: Orphanet 145, MedGen C2676676, MONDO:0011450, OMIM 604370. Disease mechanism: loss of function.

Submission:

Brotman Baty Institute, University of Washington
No classification provided (evidence only). Condition: Breast-ovarian cancer, familial 1. Review status: no classification provided. Collection method: in vitro. Allele origin: not applicable. Functional consequence: functionally_abnormal.
ClinVar note: "not provided" was previously submitted as the classification for the variant. However, the classification appeared to be based only on an observation of functional data so it was converted to no classification on 2025-07-30.